The following is an entry in ClinVar:

ClinVar aggregate classification (germline): Uncertain significance (0 of 4 stars; one submission).

Conditions:
KIF1A-related disorder. Also called: KIF1A-related disorders; KIF1A-related condition.

Submission:

PreventionGenetics, part of Exact Sciences
Classification: Uncertain significance for KIF1A-related condition. Last evaluated: 2024-01-18. Review status: no assertion criteria provided. Collection method: clinical testing. Allele origin: germline.
Comment: The KIF1A c.4452_4457del6 variant is predicted to result in an in-frame deletion (p.Ser1484_Leu1486delinsArg). To our knowledge, this variant has not been reported in the literature or in a large population database, indicating this variant is rare. At this time, the clinical significance of this variant is uncertain due to the absence of conclusive functional and genetic evidence.

NM_001244008.2(KIF1A):c.4452_4457del (p.Ser1484_Leu1486delinsArg)

Gene: KIF1A (kinesin family member 1A; minus strand). Cytogenetic location: 2q37.3.
Variant type: Deletion.
Coding change: c.4452_4457del on transcript NM_001244008.2 (MANE Select); coding-DNA positions 4452 to 4457, 6 bases deleted (CCTCCT; older notation c.4452_4457delCCTCCT).
Protein change: p.Ser1484_Leu1486delinsArg.
Molecular consequence: inframe indel.
Genome position (GRCh38, 1-based): chr2:240,723,420-240,723,425, AGGAGG deleted on the plus strand (CCTCCT on the coding strand, the reverse complement: KIF1A is on the minus strand). VCF-style (leftmost placement, unchanged base first): chr2-240723419-CAGGAGG-C. GRCh37 (hg19) VCF-style: chr2-241662836-CAGGAGG-C.
Other names: c.4176_4181del, p.Ser1392_Leu1394delinsArg (NM_001320705.2, NM_001379649.1); c.4203_4208del, p.Ser1401_Leu1403delinsArg (NM_001330289.2); c.4251_4256del, p.Ser1417_Leu1419delinsArg (NM_001330290.2, NM_001379648.1); c.4527_4532del, p.Ser1509_Leu1511delinsArg (NM_001379631.1); c.4428_4433del, p.Ser1476_Leu1478delinsArg (NM_001379632.1); c.4425_4430del, p.Ser1475_Leu1477delinsArg (NM_001379633.1, NM_001379645.1); c.4278_4283del, p.Ser1426_Leu1428delinsArg (NM_001379634.1); c.4275_4280del, p.Ser1425_Leu1427delinsArg (NM_001379635.1, NM_001379646.1); and 9 more.
Identifiers: ClinVar variation 3030275 (VCV003030275.2), dbSNP rs2536721140, ClinGen allele CA2740096516.